The following is an entry in ClinVar:

NM_000127.3(EXT1):c.844G>A (p.Ala282Thr)

Gene: EXT1 (exostosin glycosyltransferase 1; minus strand). Cytogenetic location: 8q24.11.
Variant type: single nucleotide variant.
Coding change: c.844G>A on transcript NM_000127.3 (MANE Select); coding-DNA position 844, G replaced by A.
Protein change: p.Ala282Thr; replaces alanine 282 with threonine.
Molecular consequence: missense variant.
Genome position (GRCh38, 1-based): chr8:118,110,203, C>T on the plus strand (G>A on the coding strand, the complement: EXT1 is on the minus strand). VCF-style: chr8-118110203-C-T. GRCh37 (hg19) VCF-style: chr8-119122442-C-T.
Other names: short protein forms A282T.
Identifiers: ClinVar variation 3024192 (VCV003024192.2), dbSNP rs2130041505, ClinGen allele CA371914931.
Genomic context (GRCh38, chr8:118,110,203, plus strand): 5'-TGCCATGCTTGCAGGTGGTGAGGAGCACAACGTCCTCCCCGTTATGGACGTGATATAAGG[C>T]ATTCCTGGTGTCTGATCCTATCCCTGTCAGGTACCTCTTCCCCTTGAATACCAGCATGTA-3'
Protein context (NP_000118.2, residues 272-292): LTGIGSDTRN[Ala282Thr]LYHVHNGEDV

ClinVar aggregate classification (germline): Likely benign (1 of 4 stars; one submission).

Conditions:
Exostoses, multiple, type 1 (EXT1). Also called: Hereditary Multiple Osteochondromatosis, Type I; EXOSTOSES, MULTIPLE, TYPE I. Identifiers: MedGen CN263289, MONDO:0007585, OMIM 133700.

Allele frequency attached by ClinVar (database versions not stated): gnomAD exomes below 0.00001.
gnomAD v4.1: 1 of 1,614,204 alleles (0.000062%); highest among the groups gnomAD compares: Non-Finnish European, 0.000085%; no homozygotes.

Submission:

Neurogenetics, Research Centre for Medical Genetics
Classification: Likely benign for Exostoses, multiple, type 1. Last evaluated: 2024-02-27. Review status: criteria provided, single submitter. Criteria: ACMG Guidelines, 2015. Collection method: clinical testing. Allele origin: maternal. Inheritance: Autosomal dominant inheritance. Affected: yes.
Comment: Based on segregation study result we classified it as likely benign variant (PM2, BS4, BP2)

Literature cited by the submitters: DOI 10.1155/2024/8849348.